The following is an entry in ClinVar:

ClinVar aggregate classification (germline): Uncertain significance. Review status: criteria provided, multiple submitters, no conflicts (2 of 4 stars). 4 submissions from 4 submitters: Uncertain significance (3). 1 of the submissions does not count toward it. Last evaluated 2025-10-07.

Conditions:
Nemaline myopathy 2 (NEM2). Also called: Nemaline myopathy 2, autosomal recessive. Identifiers: MedGen C1850569, MONDO:0009725, OMIM 256030.
Inborn genetic diseases. Identifiers: MedGen C0950123, MeSH D030342.

Allele frequency attached by ClinVar (database versions not stated): gnomAD 0.00009 and 0.00008; ExAC 0.00004; TOPMed 0.00008; gnomAD exomes 0.00004.
gnomAD v4.1: 200 of 1,613,882 alleles (0.012%); highest among the groups gnomAD compares: Non-Finnish European, 0.017%; no homozygotes.

Submissions (4):

Ambry Genetics
Classification: Uncertain significance for Inborn genetic diseases. Last evaluated: 2025-10-07. Review status: criteria provided, single submitter. Criteria: Ambry Variant Classification Scheme 2023. Collection method: clinical testing. Allele origin: germline.

Labcorp Genetics (formerly Invitae), Labcorp
Classification: Uncertain significance for Nemaline myopathy 2. Last evaluated: 2025-01-01. Review status: criteria provided, single submitter. Criteria: Invitae Variant Classification Sherloc (09022015). Collection method: clinical testing. Allele origin: germline.
Comment: This sequence change replaces isoleucine, which is neutral and non-polar, with threonine, which is neutral and polar, at codon 4067 of the NEB protein (p.Ile4067Thr). This variant is present in population databases (rs746008098, gnomAD 0.009%). This variant has not been reported in the literature in individuals affected with NEB-related conditions. ClinVar contains an entry for this variant (Variation ID: 648408). Experimental studies and prediction algorithms are not available or were not evaluated, and the functional significance of this variant is currently unknown. In summary, the available evidence is currently insufficient to determine the role of this variant in disease. Therefore, it has been classified as a Variant of Uncertain Significance.

Revvity Omics, Revvity
Classification: Uncertain significance. Last evaluated: 2024-12-28. Review status: criteria provided, single submitter. Criteria: ACMG Guidelines, 2015. Collection method: clinical testing. Allele origin: germline.

Natera, Inc.
Classification: Uncertain significance for Nemaline myopathy type 2. Last evaluated: 2020-02-21. Review status: no assertion criteria provided. Collection method: clinical testing. Allele origin: germline. Not counted in ClinVar's aggregate classification.

NM_001164508.2(NEB):c.12200T>C (p.Ile4067Thr)

Gene: NEB (nebulin; minus strand). Cytogenetic location: 2q23.3.
Variant type: single nucleotide variant.
Coding change: c.12200T>C on transcript NM_001164508.2 (MANE Select); coding-DNA position 12200, T replaced by C.
Protein change: p.Ile4067Thr; replaces isoleucine 4067 with threonine.
Molecular consequence: missense variant.
Genome position (GRCh38, 1-based): chr2:151,609,939, A>G on the plus strand (T>C on the coding strand, the complement: NEB is on the minus strand). VCF-style: chr2-151609939-A-G. GRCh37 (hg19) VCF-style: chr2-152466453-A-G.
Other names: c.12200T>C, p.Ile4067Thr (NM_001164507.2, NM_001271208.2); c.11471T>C, p.Ile3824Thr (NM_004543.5); c.11471T>C (NM_004543.4); short protein forms I3824T, I4067T.
Identifiers: ClinVar variation 648408 (VCV000648408.12), dbSNP rs746008098, ClinGen allele CA1908577.